The following is an entry in ClinVar:

NM_001130823.3(DNMT1):c.385C>A (p.Pro129Thr)

Gene: DNMT1 (DNA methyltransferase 1; minus strand). Cytogenetic location: 19p13.2.
Variant type: single nucleotide variant.
Coding change: c.385C>A on transcript NM_001130823.3 (MANE Select); coding-DNA position 385, C replaced by A.
Protein change: p.Pro129Thr; replaces proline 129 with threonine.
Molecular consequence: missense variant.
Genome position (GRCh38, 1-based): chr19:10,180,410, G>T on the plus strand (C>A on the coding strand, the complement: DNMT1 is on the minus strand). VCF-style: chr19-10180410-G-T. GRCh37 (hg19) VCF-style: chr19-10291086-G-T.
Other names: c.385C>A (LRG_362t1); c.385C>A, p.Pro129Thr (NM_001318730.2, NM_001379.4); c.22C>A, p.Pro8Thr (NM_001318731.2); short protein forms P129T, P8T.
Identifiers: ClinVar variation 426621 (VCV000426621.2), dbSNP rs1085307715, ClinGen allele CA403946214.
Genomic context (GRCh38, chr19:10,180,410, plus strand): 5'-GCTTAGCCTCTCCATCGGACTTGCTCCTCCTGGGCGTGCGAGGTTTGGAAAGGGGTTTGG[G>T]GGGGCTGTTGGCATCTGCCATTCCCACTCTACGGGCTTCACTTCTTGCTTGGTTCCCGTT-3'
Protein context (NP_001124295.1, residues 119-139): RVGMADANSP[Pro129Thr]KPLSKPRTPR

ClinVar aggregate classification (germline): Uncertain significance (1 of 4 stars; one submission).

gnomAD v4.1: 1 of 1,614,032 alleles (0.000062%); highest among the groups gnomAD compares: Non-Finnish European, 0.000085%; no homozygotes.

Submission:

GeneDx
Classification: Uncertain significance. Last evaluated: 2017-04-11. Review status: criteria provided, single submitter. Criteria: GeneDx Variant Classification (06012015). Collection method: clinical testing. Allele origin: germline. Affected: yes.
Comment: A variant of uncertain significance has been identified in the DNMT1 gene. The P129T variant has not been published as a pathogenic variant, nor has it been reported as a benign variant to our knowledge. The P129T variant is not observed in large population cohorts (Lek et al., 2016; 1000 Genomes Consortium et al., 2015; Exome Variant Server). The P129T variant is a non-conservative amino acid substitution, which is likely to impact secondary protein structure as these residues differ in polarity, charge, size and/or other properties. However, this substitution occurs at a position that is not conserved. In silico analysis predicts this variant likely does not alter the protein structure/function. Therefore, based on the currently available information, it is unclear whether this variant is a pathogenic variant or a rare benign variant.